The following is an entry in ClinVar:

NM_178138.6(LHX3):c.502C>T (p.Gln168Ter)

Gene: LHX3 (LIM homeobox 3; minus strand). Cytogenetic location: 9q34.3.
Variant type: single nucleotide variant.
Coding change: c.502C>T on transcript NM_178138.6 (MANE Select); coding-DNA position 502, C replaced by T.
Protein change: p.Gln168Ter; replaces glutamine 168 with a stop codon.
Molecular consequence: nonsense.
Genome position (GRCh38, 1-based): chr9:136,199,012, G>A on the plus strand (C>T on the coding strand, the complement: LHX3 is on the minus strand). VCF-style: chr9-136199012-G-A. GRCh37 (hg19) VCF-style: chr9-139090858-G-A.
Other names: c.469C>T, p.Gln157Ter (NM_001363746.1); c.517C>T, p.Gln173Ter (NM_014564.5); short protein forms Q157*, Q173*, Q168*.
Identifiers: ClinVar variation 1350624 (VCV001350624.6), dbSNP rs2131033078, ClinGen allele CA375519760.

ClinVar aggregate classification (germline): Pathogenic (1 of 4 stars; one submission).

Submission:

Labcorp Genetics (formerly Invitae), Labcorp
Classification: Pathogenic. Last evaluated: 2021-08-08. Review status: criteria provided, single submitter. Criteria: Invitae Variant Classification Sherloc (09022015). Collection method: clinical testing. Allele origin: germline.
Comment: For these reasons, this variant has been classified as Pathogenic. This variant has not been reported in the literature in individuals affected with LHX3-related conditions. This variant is not present in population databases (ExAC no frequency). This sequence change creates a premature translational stop signal (p.Gln173*) in the LHX3 gene. It is expected to result in an absent or disrupted protein product. Loss-of-function variants in LHX3 are known to be pathogenic (PMID: 16394081, 18407919).

Literature cited by the submitters: PubMed 16394081; PubMed 18407919.